The following is an entry in ClinVar:

ClinVar aggregate classification (germline): Likely benign (1 of 4 stars; one submission).

Conditions:
Malignant hyperthermia, susceptibility to, 1 (MHS1). Also called: RYR1-Related Malignant Hyperthermia Susceptibility; Malignant hyperthermia suceptibility 1; Anesthesia related hyperthermia; Malignant hyperpyrexia; Fulminating hyperpyrexia; Pharmacogenic myopathy. Identifiers: Orphanet 423, MedGen C2930980, MONDO:0007783, OMIM 145600.

Submission:

Leeds Institute of Medical Research, University of Leeds
Classification: Likely benign for Malignant hyperthermia, susceptibility to, 1. Review status: criteria provided, single submitter. Criteria: Johnston et al. (Hum Mol Genet. 2022). Collection method: research. Allele origin: germline. Affected: no. Observed: 1 variant allele, 1 homozygote.
Comment: ACMG/AMP PP3 has a CADD_PHRED score of 33. PM4 It is a homozygous frameshift and reduces the protein size, however this is in the last 5% of the protein. PM2 the variant appears to be rare as it was not in the UK Biobank. For these reasons the variant is classified as likely benign.

NM_005609.4(PYGM):c.2412del (p.Asn805fs)

Gene: PYGM (glycogen phosphorylase, muscle associated; minus strand). Cytogenetic location: 11q13.1.
Variant type: Deletion.
Coding change: c.2412del on transcript NM_005609.4 (MANE Select); coding-DNA position 2412, one base deleted (G; older notation c.2412delG).
Protein change: p.Asn805fs; shifts the reading frame from asparagine 805.
Molecular consequence: frameshift variant.
Genome position (GRCh38, 1-based): chr11:64,746,776, C deleted on the plus strand (G on the coding strand, the reverse complement: PYGM is on the minus strand); the first of 2 consecutive C bases (chr11:64,746,776-64,746,777); deleting either gives the same sequence. VCF-style (leftmost placement, unchanged base first): chr11-64746775-TC-T. GRCh37 (hg19) VCF-style: chr11-64514247-TC-T.
Other names: c.2148del, p.Asn717fs (NM_001164716.1); short protein forms N717fs, N805fs.
Identifiers: ClinVar variation 4082271 (VCV004082271.1).